The following is an entry in ClinVar:

ClinVar aggregate classification (germline): Pathogenic/Likely pathogenic. Review status: criteria provided, multiple submitters, no conflicts (2 of 4 stars). 8 submissions from 8 submitters: Pathogenic (5); Likely pathogenic (1). 2 of the submissions do not count toward it. Last evaluated 2025-12-18.

Conditions:
AURKC-related disorder. Also called: AURKC-related condition.
Infertility associated with multi-tailed spermatozoa and excessive DNA (SPGF5). Also called: Male Infertility with Large-Headed, Multiflagellar, Polyploid Spermatozoa; spermatogenic failure 5. Identifiers: Orphanet 137893, MedGen C0403812, MONDO:0009461, OMIM 243060.

Submissions (8):

PreventionGenetics, part of Exact Sciences
Classification: Pathogenic for AURKC-related condition. Last evaluated: 2025-12-18. Review status: criteria provided, single submitter. Criteria: ACMG Guidelines, 2015. Collection method: clinical testing. Allele origin: germline.
Comment: The AURKC c.145delC variant is predicted to result in a frameshift and premature protein termination (p.Leu49Trpfs*23). This variant, also referred to as c.144delC in some literature, has been reported to be causative for male infertility with large-headed spermatozoa (Dieterich et al. 2007. PubMed ID: 17435757; Dieterich et al. 2009. PubMed ID: 19147683). This variant is reported in 0.023% of alleles in individuals of Latino descent in gnomAD. Frameshift variants in AURKC are expected to be pathogenic. This variant is interpreted as pathogenic.

First Genomix Gene Laboratory, Genetic Diagnostics Department
Classification: Pathogenic for Infertility associated with multi-tailed spermatozoa and excessive DNA. Last evaluated: 2025-08-22. Review status: criteria provided, single submitter. Criteria: ACMG Guidelines, 2015. Collection method: clinical testing. Allele origin: germline. Inheritance: Autosomal recessive inheritance. Affected: no. Observed: 1 variant allele.

Blueprint Genetics
Classification: Pathogenic for AURKC-related disorders. Last evaluated: 2023-11-29. Review status: criteria provided, single submitter. Criteria: ACMG Guidelines, 2015. Collection method: clinical testing. Allele origin: germline. Affected: yes. Observed: 5 variant alleles.

Department of Pathology and Laboratory Medicine, Sinai Health System
Classification: Likely pathogenic for Infertility associated with multi-tailed spermatozoa and excessive DNA. Last evaluated: 2023-03-10. Review status: criteria provided, single submitter. Criteria: ACMG Guidelines, 2015. Collection method: research. Allele origin: germline.

Eurofins Ntd Llc (ga)
Classification: Pathogenic. Last evaluated: 2016-01-11. Review status: criteria provided, single submitter. Criteria: EGL Classification Definitions 2015. Collection method: clinical testing. Allele origin: germline. Observed: 1 variant allele, 1 heterozygote.

Equipe Genetique des Anomalies du Developpement, Université de Bourgogne
Classification: Pathogenic for Infertility associated with multi-tailed spermatozoa and excessive DNA. Review status: criteria provided, single submitter. Criteria: ACMG Guidelines, 2015. Collection method: clinical testing. Allele origin: unknown. Affected: yes.

Eurofins-Biomnis
Classification: Pathogenic for Infertility associated with multi-tailed spermatozoa and excessive DNA. Last evaluated: 2022-12-01. Review status: no assertion criteria provided. Collection method: clinical testing. Allele origin: germline. Affected: yes. Not counted in ClinVar's aggregate classification.

OMIM
Classification: Pathogenic for SPERMATOGENIC FAILURE 5. Last evaluated: 2007-05-01. Review status: no assertion criteria provided. Collection method: literature only. Allele origin: germline. Not counted in ClinVar's aggregate classification.

Literature cited by the submitters: PubMed 17435757 (cited by OMIM).

NM_001015878.2(AURKC):c.145del (p.Leu49fs)

Gene: AURKC (aurora kinase C; plus strand). Cytogenetic location: 19q13.43.
Variant type: Deletion.
Coding change: c.145del on transcript NM_001015878.2 (MANE Select); coding-DNA position 145, one base deleted (C; older notation c.145delC).
Protein change: p.Leu49fs; shifts the reading frame from leucine 49.
Molecular consequence: frameshift variant.
Genome position (GRCh38, 1-based): chr19:57,232,073, C deleted; the last of 4 consecutive C bases (chr19:57,232,070-57,232,073); deleting any one gives the same sequence. VCF-style (leftmost placement, unchanged base first): chr19-57232069-TC-T. GRCh37 (hg19) VCF-style: chr19-57743437-TC-T.
Other names: c.88del, p.Leu30fs (NM_001015879.2); c.43del, p.Leu15fs (NM_003160.3); c.145delC (NM_001015878.2); short protein forms L15fs, L30fs, L49fs.
Identifiers: ClinVar variation 6306 (VCV000006306.13), dbSNP rs397515619, ClinGen allele CA118123.